The following is an entry in ClinVar:

ClinVar aggregate classification (germline): Uncertain significance. Review status: criteria provided, multiple submitters, no conflicts (2 of 4 stars). 2 submissions from 2 submitters: Uncertain significance (2). Last evaluated 2024-01-30.

Conditions:
Inborn genetic diseases. Identifiers: MedGen C0950123, MeSH D030342.

gnomAD v4.1: 37 of 1,613,800 alleles (0.0023%); highest among the groups gnomAD compares: South Asian, 0.038%; 2 homozygotes.

Submissions (2):

Ambry Genetics
Classification: Uncertain significance for Inborn genetic diseases. Last evaluated: 2024-01-30. Review status: criteria provided, single submitter. Criteria: Ambry Variant Classification Scheme 2023. Collection method: clinical testing. Allele origin: germline.

GeneDx
Classification: Uncertain significance. Last evaluated: 2022-12-14. Review status: criteria provided, single submitter. Criteria: GeneDx Variant Classification Process June 2021. Collection method: clinical testing. Allele origin: germline. Affected: yes.
Comment: Has not been previously published as pathogenic or benign to our knowledge; In silico analysis supports that this missense variant has a deleterious effect on protein structure/function

NM_000359.3(TGM1):c.1661G>T (p.Arg554Leu)

Gene: TGM1 (transglutaminase 1; minus strand). Cytogenetic location: 14q12.
Variant type: single nucleotide variant.
Coding change: c.1661G>T on transcript NM_000359.3 (MANE Select); coding-DNA position 1661, G replaced by T.
Protein change: p.Arg554Leu; replaces arginine 554 with leucine.
Molecular consequence: missense variant.
Genome position (GRCh38, 1-based): chr14:24,255,238, C>A on the plus strand (G>T on the coding strand, the complement: TGM1 is on the minus strand). VCF-style: chr14-24255238-C-A. GRCh37 (hg19) VCF-style: chr14-24724444-C-A.
Other names: short protein forms R554L.
Identifiers: ClinVar variation 2506801 (VCV002506801.2), dbSNP rs372839534, ClinGen allele CA7131005.